The following is an entry in ClinVar:

NM_032634.4(PIGO):c.2182G>T (p.Ala728Ser)

Gene: PIGO (phosphatidylinositol glycan anchor biosynthesis class O; minus strand). Cytogenetic location: 9p13.3.
Variant type: single nucleotide variant.
Coding change: c.2182G>T on transcript NM_032634.4 (MANE Select); coding-DNA position 2182, G replaced by T.
Protein change: p.Ala728Ser; replaces alanine 728 with serine.
Molecular consequence: missense variant. On other transcripts: intron variant (2).
Genome position (GRCh38, 1-based): chr9:35,091,705, C>A on the plus strand (G>T on the coding strand, the complement: PIGO is on the minus strand). VCF-style: chr9-35091705-C-A. GRCh37 (hg19) VCF-style: chr9-35091702-C-A.
Other names: c.1345-414G>T (NM_152850.4, NM_001201484.2); short protein forms A728S.
Identifiers: ClinVar variation 1494052 (VCV001494052.8), dbSNP rs1221803789, ClinGen allele CA373320610.
Genomic context (GRCh38, chr9:35,091,705, plus strand): 5'-CTACAGCCCGAGGCAGCACCATGGATGCCCCAGAGACCAGGACCCGGAGACGGGGGGGAG[C>A]CTCATCTGCCCCCGACGCCAATGCCCAGTAGGCAGCAGTACCCAATGCCATTAGGGGCAG-3'
Protein context (NP_116023.2, residues 718-738): YWALASGADE[Ala728Ser]PPRLRVLVSG

ClinVar aggregate classification (germline): Uncertain significance (1 of 4 stars; one submission).

Conditions:
Hyperphosphatasia with impaired intellectual development syndrome 2. Also called: Hyperphosphatasia with intellectual disability syndrome 2; GLYCOSYLPHOSPHATIDYLINOSITOL BIOSYNTHESIS DEFECT 6. Identifiers: Orphanet 247262, MedGen C3553637, MONDO:0013882, OMIM 614749.

Allele frequency attached by ClinVar (database versions not stated): gnomAD exomes below 0.00001.

Submission:

Labcorp Genetics (formerly Invitae), Labcorp
Classification: Uncertain significance for Hyperphosphatasia with impaired intellectual development syndrome 2. Last evaluated: 2024-10-15. Review status: criteria provided, single submitter. Criteria: Invitae Variant Classification Sherloc (09022015). Collection method: clinical testing. Allele origin: germline.
Comment: This sequence change replaces alanine, which is neutral and non-polar, with serine, which is neutral and polar, at codon 728 of the PIGO protein (p.Ala728Ser). This variant is present in population databases (no rsID available, gnomAD 0.0009%). This variant has not been reported in the literature in individuals affected with PIGO-related conditions. ClinVar contains an entry for this variant (Variation ID: 1494052). Invitae Evidence Modeling of protein sequence and biophysical properties (such as structural, functional, and spatial information, amino acid conservation, physicochemical variation, residue mobility, and thermodynamic stability) indicates that this missense variant is not expected to disrupt PIGO protein function with a negative predictive value of 95%. In summary, the available evidence is currently insufficient to determine the role of this variant in disease. Therefore, it has been classified as a Variant of Uncertain Significance.